The following is an entry in ClinVar:

NM_177438.3(DICER1):c.2187TGA[1] (p.Asp730del)

Gene: DICER1 (dicer 1, ribonuclease III; minus strand). Cytogenetic location: 14q32.13.
Variant type: Microsatellite.
Coding change: c.2187TGA[1] on transcript NM_177438.3 (MANE Select); one copy of the 3-base unit TGA starting at c.2187; the reference has two copies in a row; one copy, 3 bases deleted.
Protein change: p.Asp730del; deletes aspartic acid 730.
Molecular consequence: inframe deletion.
Genome position (GRCh38, 1-based): chr14:95,111,381-95,111,383, TCA deleted on the plus strand (TGA on the coding strand, the reverse complement: DICER1 is on the minus strand); deleting any 3 consecutive bases within chr14:95,111,381-95,111,387 gives the same sequence; the position shown is the placement nearest the transcript's 3' end. VCF-style (leftmost placement, unchanged base first): chr14-95111380-TTCA-T. GRCh37 (hg19) VCF-style: chr14-95577717-TTCA-T.
Other names: c.2190_2192delTGA (NM_177438.2); c.2187TGA[1], p.Asp730del (NM_001195573.1, NM_001271282.3, NM_001291628.2 and 1 more transcripts); short protein forms D730del.
Identifiers: ClinVar variation 958959 (VCV000958959.13), dbSNP rs1891944385, ClinGen allele CA2156310635.
Genomic context (GRCh38, chr14:95,111,380, plus strand): 5'-TTTTGGGTAGCACTGCCTTCGTTTCGTGGAACCTGGTCTTCCTGGAACACTGGTCTCTTC[TTCA>T]TCATGCAAATCAAGCTCCTCTTCATATTTAACAGTCTCTTTCCCAACTGGCATCAAATGG-3'

ClinVar aggregate classification (germline): Uncertain significance. Review status: criteria provided, multiple submitters, no conflicts (2 of 4 stars). 2 submissions from 2 submitters: Uncertain significance (2). Last evaluated 2023-11-08.

Conditions:
DICER1-related tumor predisposition. Also called: DICER1 syndrome; DICER1-related pleuropulmonary blastoma cancer predisposition syndrome. Identifiers: Orphanet 284343, MedGen C3839822, MONDO:0100216.
Hereditary cancer-predisposing syndrome. Also called: Hereditary neoplastic syndrome; Tumor predisposition; Neoplastic Syndromes, Hereditary; Hereditary Cancer Syndrome. Identifiers: Orphanet 140162, MedGen C0027672, MeSH D009386, MONDO:0015356.

Submissions (2):

Labcorp Genetics (formerly Invitae), Labcorp
Classification: Uncertain significance for DICER1-related tumor predisposition. Last evaluated: 2023-11-08. Review status: criteria provided, single submitter. Criteria: Invitae Variant Classification Sherloc (09022015). Collection method: clinical testing. Allele origin: germline.
Comment: This variant, c.2190_2192del, results in the deletion of 1 amino acid(s) of the DICER1 protein (p.Asp730del), but otherwise preserves the integrity of the reading frame. This variant is not present in population databases (gnomAD no frequency). This variant has not been reported in the literature in individuals affected with DICER1-related conditions. ClinVar contains an entry for this variant (Variation ID: 958959). Experimental studies and prediction algorithms are not available or were not evaluated, and the functional significance of this variant is currently unknown. In summary, the available evidence is currently insufficient to determine the role of this variant in disease. Therefore, it has been classified as a Variant of Uncertain Significance.

Ambry Genetics
Classification: Uncertain significance for Hereditary cancer-predisposing syndrome. Last evaluated: 2023-07-13. Review status: criteria provided, single submitter. Criteria: Ambry Variant Classification Scheme 2023. Collection method: clinical testing. Allele origin: germline.
Comment: The c.2190_2192delTGA variant (also known as p.D730del) is located in coding exon 13 of the DICER1 gene. This variant results from an in-frame TGA deletion at nucleotide positions 2190 to 2192. This results in the in-frame deletion of an aspartic acid at codon 730. This amino acid position is highly conserved in available vertebrate species. In addition, this alteration is predicted to be inconclusive by in silico analysis (Choi Y et al. PLoS ONE. 2012; 7(10):e46688). Since supporting evidence is limited at this time, the clinical significance of this alteration remains unclear.